The following is an entry in ClinVar:

NM_020654.5(SENP7):c.1405A>G (p.Thr469Ala)

Gene: SENP7 (SUMO specific peptidase 7; minus strand). Cytogenetic location: 3q12.3.
Variant type: single nucleotide variant.
Coding change: c.1405A>G on transcript NM_020654.5 (MANE Select); coding-DNA position 1405, A replaced by G.
Protein change: p.Thr469Ala; replaces threonine 469 with alanine.
Molecular consequence: missense variant.
Genome position (GRCh38, 1-based): chr3:101,364,905, T>C on the plus strand (A>G on the coding strand, the complement: SENP7 is on the minus strand). VCF-style: chr3-101364905-T-C. GRCh37 (hg19) VCF-style: chr3-101083749-T-C.
Other names: c.1210A>G, p.Thr404Ala (NM_001077203.3); c.1207A>G, p.Thr403Ala (NM_001282801.2); c.1306A>G, p.Thr436Ala (NM_001282802.2); c.913A>G, p.Thr305Ala (NM_001282803.2); short protein forms T436A, T469A, T305A, T403A, T404A.
Identifiers: ClinVar variation 5029391 (VCV005029391.1).

ClinVar aggregate classification (germline): Uncertain significance (1 of 4 stars; one submission).

gnomAD v4.1: 3 of 1,604,530 alleles (0.00019%); highest among the groups gnomAD compares: African/African-American, 0.0013%; no homozygotes.

Submission:

Ambry Genetics
Classification: Uncertain significance. Last evaluated: 2026-07-28. Review status: criteria provided, single submitter. Criteria: Ambry Variant Classification Scheme 2023. Collection method: clinical testing. Allele origin: germline.
Comment: The c.1405A>G (p.T469A) alteration is located in exon 10 (coding exon 10) of the SENP7 gene. This alteration results from a A to G substitution at nucleotide position 1405, causing the threonine (T) at amino acid position 469 to be replaced by an alanine (A). Based on data from gnomAD, the G allele has an overall frequency of <0.001% (1/245072) total alleles studied. The highest observed frequency was 0.001% (1/111102) of European (non-Finnish) alleles. Based on insufficient or conflicting evidence, the clinical significance of this alteration remains unclear.